The following is an entry in ClinVar:

NM_032119.4(ADGRV1):c.2409dup (p.Ser804fs)

Gene: ADGRV1 (adhesion G protein-coupled receptor V1; plus strand). Cytogenetic location: 5q14.3.
Variant type: Duplication.
Coding change: c.2409dup on transcript NM_032119.4 (MANE Select); coding-DNA position 2409, one base duplicated (G; older notation c.2409dupG).
Protein change: p.Ser804fs; shifts the reading frame from serine 804.
Molecular consequence: frameshift variant. On other transcripts: non-coding transcript variant (1).
Genome position (GRCh38, 1-based): chr5:90,642,897, G duplicated; the last of 5 consecutive G bases (chr5:90,642,893-90,642,897); duplicating any one gives the same sequence. VCF-style (leftmost placement, unchanged base first): chr5-90642892-A-AG. GRCh37 (hg19) VCF-style: chr5-89938709-A-AG.
Other names: short protein forms S804fs.
Identifiers: ClinVar variation 2828397 (VCV002828397.3), dbSNP rs2531979897, ClinGen allele CA2674563296.

ClinVar aggregate classification (germline): Pathogenic (1 of 4 stars; one submission).

Submission:

Labcorp Genetics (formerly Invitae), Labcorp
Classification: Pathogenic. Last evaluated: 2024-01-07. Review status: criteria provided, single submitter. Criteria: Invitae Variant Classification Sherloc (09022015). Collection method: clinical testing. Allele origin: germline.
Comment: This sequence change creates a premature translational stop signal (p.Ser804Valfs*4) in the ADGRV1 gene. It is expected to result in an absent or disrupted protein product. Loss-of-function variants in ADGRV1 are known to be pathogenic (PMID: 19357117, 22135276, 22147658, 26226137, 30718709, 31047384, 32467589). This variant is not present in population databases (gnomAD no frequency). This variant has not been reported in the literature in individuals affected with ADGRV1-related conditions. For these reasons, this variant has been classified as Pathogenic.

Literature cited by the submitters: PubMed 19357117; PubMed 22135276; PubMed 22147658; PubMed 26226137; PubMed 30718709; PubMed 31047384; PubMed 32467589.